The following is an entry in ClinVar:

ClinVar aggregate classification (germline): Uncertain significance (1 of 4 stars; one submission).

Conditions:
Tuberous sclerosis 1 (TSC1). Identifiers: Orphanet 805, MedGen C1854465, MONDO:0008612, OMIM 191100.

Submission:

Labcorp Genetics (formerly Invitae), Labcorp
Classification: Uncertain significance for Tuberous sclerosis 1. Last evaluated: 2025-10-23. Review status: criteria provided, single submitter. Criteria: Invitae Variant Classification Sherloc (09022015). Collection method: clinical testing. Allele origin: germline.
Comment: This sequence change replaces valine, which is neutral and non-polar, with methionine, which is neutral and non-polar, at codon 821 of the TSC1 protein (p.Val821Met). This variant is not present in population databases (gnomAD no frequency). This variant has not been reported in the literature in individuals affected with TSC1-related conditions. ClinVar contains an entry for this variant (Variation ID: 849126). Invitae Evidence Modeling of protein sequence and biophysical properties (such as structural, functional, and spatial information, amino acid conservation, physicochemical variation, residue mobility, and thermodynamic stability) indicates that this missense variant is not expected to disrupt TSC1 protein function with a negative predictive value of 95%. In summary, the available evidence is currently insufficient to determine the role of this variant in disease. Therefore, it has been classified as a Variant of Uncertain Significance.

NM_000368.5(TSC1):c.2461G>A (p.Val821Met)

Gene: TSC1 (TSC complex subunit 1; minus strand). Cytogenetic location: 9q34.13.
Variant type: single nucleotide variant.
Coding change: c.2461G>A on transcript NM_000368.5 (MANE Select); coding-DNA position 2461, G replaced by A.
Protein change: p.Val821Met; replaces valine 821 with methionine.
Molecular consequence: missense variant.
Genome position (GRCh38, 1-based): chr9:132,901,630, C>T on the plus strand (G>A on the coding strand, the complement: TSC1 is on the minus strand). VCF-style: chr9-132901630-C-T. GRCh37 (hg19) VCF-style: chr9-135777017-C-T.
Other names: c.2458G>A, p.Val820Met (NM_001162426.2); c.2308G>A, p.Val770Met (NM_001162427.2); c.2098G>A, p.Val700Met (NM_001362177.2); short protein forms V770M, V820M, V700M, V821M.
Identifiers: ClinVar variation 849126 (VCV000849126.6), dbSNP rs1845376276, ClinGen allele CA375358328.